The following is an entry in ClinVar:

NM_002230.4(JUP):c.154C>A (p.Gln52Lys)

Gene: JUP (junction plakoglobin; minus strand). Cytogenetic location: 17q21.2.
Variant type: single nucleotide variant.
Coding change: c.154C>A on transcript NM_002230.4 (MANE Select); coding-DNA position 154, C replaced by A.
Protein change: p.Gln52Lys; replaces glutamine 52 with lysine.
Molecular consequence: missense variant.
Genome position (GRCh38, 1-based): chr17:41,771,701, G>T on the plus strand (C>A on the coding strand, the complement: JUP is on the minus strand). VCF-style: chr17-41771701-G-T. GRCh37 (hg19) VCF-style: chr17-39927953-G-T.
Other names: c.154C>A, p.Gln52Lys (NM_001352773.2, NM_001352774.2, NM_001352775.2 and 3 more transcripts); short protein forms Q52K.
Identifiers: ClinVar variation 2941974 (VCV002941974.3), dbSNP rs2544215179, ClinGen allele CA399506775.
Genomic context (GRCh38, chr17:41,771,701, plus strand): 5'-CCTGACCTTGGCTGGGGGGCACCCCCTGGGTGTAAGTGGTGGTTTTCTTGAGCGTGTACT[G>T]GCGCCCGCAGGCCTCATCCTCCTCCATGATGCCCTTGCTGCTGACGGAGGGCACGCAGGT-3'
Protein context (NP_002221.1, residues 42-62): IMEEDEACGR[Gln52Lys]YTLKKTTTYT

ClinVar aggregate classification (germline): Uncertain significance (1 of 4 stars; one submission).

Conditions:
Arrhythmogenic right ventricular dysplasia 12. Also called: ARRHYTHMOGENIC RIGHT VENTRICULAR DYSPLASIA, FAMILIAL, 12. Identifiers: MedGen C1969081, MONDO:0012684, OMIM 611528.
Naxos disease (NXD). Also called: KERATOSIS PALMOPLANTARIS WITH ARRHYTHMOGENIC CARDIOMYOPATHY; MAL DE NAXOS; PALMOPLANTAR KERATODERMA WITH ARRHYTHMOGENIC RIGHT VENTRICULAR CARDIOMYOPATHY AND WOOLLY HAIR; WOOLLY HAIR, PALMOPLANTAR KERATODERMA, AND CARDIAC ABNORMALITIES; CARDIOMYOPATHY, ARRHYTHMOGENIC RIGHT VENTRICULAR, WITH SKIN, HAIR, AND NAIL ABNORMALITIES. Identifiers: Orphanet 34217, MedGen C1832600, MONDO:0011017, OMIM 601214.

Submission:

Labcorp Genetics (formerly Invitae), Labcorp
Classification: Uncertain significance for Arrhythmogenic right ventricular dysplasia 12; Naxos disease. Last evaluated: 2022-12-14. Review status: criteria provided, single submitter. Criteria: Invitae Variant Classification Sherloc (09022015). Collection method: clinical testing. Allele origin: germline.
Comment: This variant is not present in population databases (gnomAD no frequency). This sequence change replaces glutamine, which is neutral and polar, with lysine, which is basic and polar, at codon 52 of the JUP protein (p.Gln52Lys). This variant has not been reported in the literature in individuals affected with JUP-related conditions. Algorithms developed to predict the effect of missense changes on protein structure and function (SIFT, PolyPhen-2, Align-GVGD) all suggest that this variant is likely to be tolerated. In summary, the available evidence is currently insufficient to determine the role of this variant in disease. Therefore, it has been classified as a Variant of Uncertain Significance.